The following is an entry in ClinVar:

NM_001352027.3(PHF21A):c.1841G>A (p.Ser614Asn)

Gene: PHF21A (PHD finger protein 21A; minus strand). Cytogenetic location: 11p11.2.
Variant type: single nucleotide variant.
Coding change: c.1841G>A on transcript NM_001352027.3 (MANE Select); coding-DNA position 1841, G replaced by A.
Protein change: p.Ser614Asn; replaces serine 614 with asparagine.
Molecular consequence: missense variant. On other transcripts: non-coding transcript variant (2).
Genome position (GRCh38, 1-based): chr11:45,934,173, C>T on the plus strand (G>A on the coding strand, the complement: PHF21A is on the minus strand). VCF-style: chr11-45934173-C-T. GRCh37 (hg19) VCF-style: chr11-45955724-C-T.
Other names: c.1838G>A, p.Ser613Asn (NM_001101802.3); c.1841G>A, p.Ser614Asn (NM_001352025.3, NM_001352026.3, NM_001441170.1); c.1700G>A, p.Ser567Asn (NM_001352028.1, NM_001352029.1, NM_016621.5); c.1697G>A, p.Ser566Asn (NM_001352030.3, NM_001352031.3, NM_001352032.3); c.1862G>A, p.Ser621Asn (NM_001441167.1, NM_001441168.1); c.1859G>A, p.Ser620Asn (NM_001441169.1); c.1682G>A, p.Ser561Asn (NM_001441171.1); c.1589G>A, p.Ser530Asn (NM_001441172.1); short protein forms S561N, S621N, S530N, S567N, S613N, S566N, S614N, S620N.
Identifiers: ClinVar variation 4774434 (VCV004774434.1).

ClinVar aggregate classification (germline): Uncertain significance (1 of 4 stars; one submission).

gnomAD v4.1: 4 of 1,613,914 alleles (0.00025%); highest among the groups gnomAD compares: African/African-American, 0.004%; no homozygotes.

Submission:

Labcorp Genetics (formerly Invitae), Labcorp
Classification: Uncertain significance. Last evaluated: 2025-11-06. Review status: criteria provided, single submitter. Criteria: Invitae Variant Classification Sherloc (09022015). Collection method: clinical testing. Allele origin: germline.
Comment: This sequence change replaces serine, which is neutral and polar, with asparagine, which is neutral and polar, at codon 613 of the PHF21A protein (p.Ser613Asn). This variant is not present in population databases (gnomAD no frequency). This variant has not been reported in the literature in individuals affected with PHF21A-related conditions. Invitae Evidence Modeling of protein sequence and biophysical properties (such as structural, functional, and spatial information, amino acid conservation, physicochemical variation, residue mobility, and thermodynamic stability) indicates that this missense variant is not expected to disrupt PHF21A protein function with a negative predictive value of 80%. In summary, the available evidence is currently insufficient to determine the role of this variant in disease. Therefore, it has been classified as a Variant of Uncertain Significance.